The following is an entry in ClinVar:

NM_138576.4(BCL11B):c.933G>T (p.Pro311=)

Gene: BCL11B (BCL11 transcription factor B; minus strand). Cytogenetic location: 14q32.2.
Variant type: single nucleotide variant.
Coding change: c.933G>T on transcript NM_138576.4 (MANE Select); coding-DNA position 933, G replaced by T.
Protein change: p.Pro311=; no amino-acid change (proline 311 retained).
Molecular consequence: synonymous variant.
Genome position (GRCh38, 1-based): chr14:99,175,903, C>A on the plus strand (G>T on the coding strand, the complement: BCL11B is on the minus strand). VCF-style: chr14-99175903-C-A. GRCh37 (hg19) VCF-style: chr14-99642240-C-A.
Other names: c.720G>T (NM_022898.2); c.930G>T, p.Pro310= (NM_001282237.2); c.717G>T, p.Pro239= (NM_001282238.2); c.720G>T, p.Pro240= (NM_022898.3).
Identifiers: ClinVar variation 734188 (VCV000734188.34), dbSNP rs201912349, ClinGen allele CA7339767.

ClinVar aggregate classification (germline): Likely benign. Review status: criteria provided, multiple submitters, no conflicts (2 of 4 stars). 4 submissions from 4 submitters: Likely benign (3). 1 of the submissions does not count toward it. Last evaluated 2025-11-24.

Conditions:
BCL11B-related disorder. Also called: BCL11B-Related Disorders.

Allele frequency attached by ClinVar (database versions not stated): TOPMed 0.00026; ESP Exome Variant Server 0.00033; 1000 Genomes Project 0.00040; ExAC 0.00068; 1000 Genomes Project 30x 0.00078.
gnomAD v4.1: 215 of 1,452,828 alleles (0.015%); highest among the groups gnomAD compares: Middle Eastern, 0.2%; 2 homozygotes.

Submissions (4):

Labcorp Genetics (formerly Invitae), Labcorp
Classification: Likely benign. Last evaluated: 2025-11-24. Review status: criteria provided, single submitter. Criteria: Invitae Variant Classification Sherloc (09022015). Collection method: clinical testing. Allele origin: germline.

Blueprint Genetics
Classification: Likely benign. Last evaluated: 2024-07-06. Review status: criteria provided, single submitter. Criteria: ACMG Guidelines, 2015. Collection method: clinical testing. Allele origin: germline.

CeGaT Center for Human Genetics Tuebingen
Classification: Likely benign. Last evaluated: 2023-07-01. Review status: criteria provided, single submitter. Criteria: CeGaT Center For Human Genetics Tuebingen Variant Classification Criteria Version 2. Collection method: clinical testing. Allele origin: germline. Affected: yes. Observed: 1 variant allele.
Comment: BCL11B: BP4, BP7, BS1

PreventionGenetics, part of Exact Sciences
Classification: Likely benign for BCL11B-related condition. Last evaluated: 2019-02-19. Review status: no assertion criteria provided. Collection method: clinical testing. Allele origin: germline. Not counted in ClinVar's aggregate classification.
Comment: This variant is classified as likely benign based on ACMG/AMP sequence variant interpretation guidelines (Richards et al. 2015 PMID: 25741868, with internal and published modifications).